The following is an entry in ClinVar:

NM_006939.4(SOS2):c.2707G>C (p.Val903Leu)

Gene: SOS2 (SOS Ras/Rho guanine nucleotide exchange factor 2; minus strand). Cytogenetic location: 14q21.3.
Variant type: single nucleotide variant.
Coding change: c.2707G>C on transcript NM_006939.4 (MANE Select); coding-DNA position 2707, G replaced by C.
Protein change: p.Val903Leu; replaces valine 903 with leucine.
Molecular consequence: missense variant.
Genome position (GRCh38, 1-based): chr14:50,140,020, C>G on the plus strand (G>C on the coding strand, the complement: SOS2 is on the minus strand). VCF-style: chr14-50140020-C-G. GRCh37 (hg19) VCF-style: chr14-50606738-C-G.
Other names: c.2707G>C (NM_006939.2); c.2608G>C, p.Val870Leu (NM_001411020.1); short protein forms V903L, V870L.
Identifiers: ClinVar variation 2702170 (VCV002702170.4), dbSNP rs745788940, ClinGen allele CA389642775.

ClinVar aggregate classification (germline): Uncertain significance. Review status: criteria provided, multiple submitters, no conflicts (2 of 4 stars). 2 submissions from 2 submitters: Uncertain significance (2). Last evaluated 2023-12-11.

Conditions:
Noonan syndrome 9 (NS9). Identifiers: Orphanet 648, MedGen C4225282, MONDO:0014691, OMIM 616559.

Submissions (2):

Labcorp Genetics (formerly Invitae), Labcorp
Classification: Uncertain significance for Noonan syndrome 9. Last evaluated: 2023-12-11. Review status: criteria provided, single submitter. Criteria: Invitae Variant Classification Sherloc (09022015). Collection method: clinical testing. Allele origin: germline.
Comment: This sequence change replaces valine, which is neutral and non-polar, with leucine, which is neutral and non-polar, at codon 903 of the SOS2 protein (p.Val903Leu). This variant is not present in population databases (gnomAD no frequency). This variant has not been reported in the literature in individuals affected with SOS2-related conditions. Advanced modeling of protein sequence and biophysical properties (such as structural, functional, and spatial information, amino acid conservation, physicochemical variation, residue mobility, and thermodynamic stability) performed at Invitae indicates that this missense variant is not expected to disrupt SOS2 protein function with a negative predictive value of 95%. In summary, the available evidence is currently insufficient to determine the role of this variant in disease. Therefore, it has been classified as a Variant of Uncertain Significance.

GeneDx
Classification: Uncertain significance. Last evaluated: 2023-11-13. Review status: criteria provided, single submitter. Criteria: GeneDx Variant Classification Process June 2021. Collection method: clinical testing. Allele origin: germline. Affected: yes.
Comment: Not observed at significant frequency in large population cohorts (gnomAD); In silico analysis supports that this missense variant does not alter protein structure/function; Has not been previously published as pathogenic or benign to our knowledge